The following is an entry in ClinVar:

ClinVar aggregate classification (germline): Benign/Likely benign. Review status: criteria provided, multiple submitters, no conflicts (2 of 4 stars). 6 submissions from 6 submitters: Benign (3); Likely benign (3). Last evaluated 2026-01-01.

Conditions:
TRIO-related disorder. Also called: TRIO-related condition; TRIO-related disorders.

Allele frequency attached by ClinVar (database versions not stated): 1000 Genomes Project 0.00040; 1000 Genomes Project 30x 0.00047; gnomAD exomes 0.00079 and 0.00140; gnomAD 0.00081 and 0.00086; TOPMed 0.00083; ESP Exome Variant Server 0.00123; ExAC 0.00144.
gnomAD v4.1: 1,353 of 1,612,390 alleles (0.084%); highest among the groups gnomAD compares: Middle Eastern, 1%; 10 homozygotes.

Submissions (6):

CeGaT Center for Human Genetics Tuebingen
Classification: Likely benign. Last evaluated: 2026-01-01. Review status: criteria provided, single submitter. Criteria: CeGaT Center For Human Genetics Tuebingen Variant Classification Criteria Version 2. Collection method: clinical testing. Allele origin: germline. Affected: yes. Observed: 9 variant alleles.
Comment: TRIO: BP4, BP7

PreventionGenetics, part of Exact Sciences
Classification: Likely benign for TRIO-related condition. Last evaluated: 2025-12-13. Review status: criteria provided, single submitter. Criteria: ACMG Guidelines, 2015. Collection method: clinical testing. Allele origin: germline.
Comment: This variant is classified as likely benign based on ACMG/AMP sequence variant interpretation guidelines (Richards et al. 2015 PMID: 25741868, with internal and published modifications).

Blueprint Genetics
Classification: Likely benign. Last evaluated: 2024-11-06. Review status: criteria provided, single submitter. Criteria: ACMG Guidelines, 2015. Collection method: clinical testing. Allele origin: germline.

Labcorp Genetics (formerly Invitae), Labcorp
Classification: Benign. Last evaluated: 2019-12-31. Review status: criteria provided, single submitter. Criteria: Invitae Variant Classification Sherloc (09022015). Collection method: clinical testing. Allele origin: germline.

GeneDx
Classification: Benign. Last evaluated: 2019-02-15. Review status: criteria provided, single submitter. Criteria: GeneDx Variant Classification Process June 2021. Collection method: clinical testing. Allele origin: germline. Affected: yes.

Breakthrough Genomics
Classification: Benign. Review status: criteria provided, single submitter. Criteria: ACMG Guidelines, 2015. Collection method: not provided. Allele origin: germline. Inheritance: Autosomal dominant inheritance. Affected: yes.

NM_007118.4(TRIO):c.558A>G (p.Leu186=)

Gene: TRIO (trio Rho guanine nucleotide exchange factor; plus strand). Cytogenetic location: 5p15.2.
Variant type: single nucleotide variant.
Coding change: c.558A>G on transcript NM_007118.4 (MANE Select); coding-DNA position 558, A replaced by G.
Protein change: p.Leu186=; no amino-acid change (leucine 186 retained).
Molecular consequence: synonymous variant. On other transcripts: non-coding transcript variant (1).
Genome position (GRCh38, 1-based): chr5:14,290,733, A>G. VCF-style: chr5-14290733-A-G. GRCh37 (hg19) VCF-style: chr5-14290842-A-G.
Identifiers: ClinVar variation 735146 (VCV000735146.33), dbSNP rs141383076, ClinGen allele CA3205462.